The following is an entry in ClinVar:

ClinVar aggregate classification (germline): Conflicting classifications of pathogenicity. Review status: criteria provided, conflicting classifications (1 of 4 stars). 2 submissions from 2 submitters: Uncertain significance (1); Benign (1). Last evaluated 2026-04-20.

Conditions:
Dystonia 16 (DYT16). Also called: DYT-PRKRA. Identifiers: Orphanet 210571, MedGen C2677567, MONDO:0012789, OMIM 612067.

Allele frequency attached by ClinVar (database versions not stated): 1000 Genomes Project 0.00020; 1000 Genomes Project 30x 0.00016; ExAC 0.00024.
gnomAD v4.1: 143 of 1,614,282 alleles (0.0089%); highest among the groups gnomAD compares: South Asian, 0.16%; 1 homozygote.

Submissions (2):

GeneDx
Classification: Uncertain significance. Last evaluated: 2026-04-20. Review status: criteria provided, single submitter. Criteria: GeneDx Variant Classification Process June 2021. Collection method: clinical testing. Allele origin: germline.
Comment: In silico analysis suggests that this missense variant does not alter protein structure/function; Has not been previously published as pathogenic or benign to our knowledge

Labcorp Genetics (formerly Invitae), Labcorp
Classification: Benign for Dystonia 16. Last evaluated: 2025-10-09. Review status: criteria provided, single submitter. Criteria: Invitae Variant Classification Sherloc (09022015). Collection method: clinical testing. Allele origin: germline.

NM_003690.5(PRKRA):c.203T>A (p.Phe68Tyr)

Gene: PRKRA (protein activator of interferon induced protein kinase EIF2AK2; minus strand). Cytogenetic location: 2q31.2.
Variant type: single nucleotide variant.
Coding change: c.203T>A on transcript NM_003690.5 (MANE Select); coding-DNA position 203, T replaced by A.
Protein change: p.Phe68Tyr; replaces phenylalanine 68 with tyrosine.
Molecular consequence: missense variant. On other transcripts: 5 prime UTR variant (1).
Genome position (GRCh38, 1-based): chr2:178,450,274, A>T on the plus strand (T>A on the coding strand, the complement: PRKRA is on the minus strand). VCF-style: chr2-178450274-A-T. GRCh37 (hg19) VCF-style: chr2-179315001-A-T.
Other names: c.170T>A, p.Phe57Tyr (NM_001139517.2); c.128T>A, p.Phe43Tyr (NM_001139518.2); c.-247T>A (NM_001316362.2); c.203T>A (NM_003690.4); short protein forms F43Y, F68Y, F57Y.
Identifiers: ClinVar variation 2800856 (VCV002800856.4), dbSNP rs539630421, ClinGen allele CA1984021.